The following is an entry in ClinVar:

ClinVar aggregate classification (germline): Uncertain significance (1 of 4 stars; one submission).

Conditions:
Van der Woude syndrome. Identifiers: Orphanet 888, MedGen C0175697, MONDO:0019508.
Popliteal pterygium syndrome (PPS). Identifiers: Orphanet 294963, MedGen C0265259, MONDO:0017435.
Orofacial cleft 6, susceptibility to (OFC6). Also called: CLEFT LIP WITH OR WITHOUT CLEFT PALATE, NONSYNDROMIC, 6. Identifiers: MedGen C1837213, MONDO:0012141, OMIM 608864.

Submission:

Labcorp Genetics (formerly Invitae), Labcorp
Classification: Uncertain significance for Orofacial cleft 6, susceptibility to; Van der Woude syndrome; Popliteal pterygium syndrome. Last evaluated: 2022-04-08. Review status: criteria provided, single submitter. Criteria: Invitae Variant Classification Sherloc (09022015). Collection method: clinical testing. Allele origin: germline.
Comment: This sequence change replaces serine, which is neutral and polar, with arginine, which is basic and polar, at codon 187 of the IRF6 protein (p.Ser187Arg). This variant is not present in population databases (gnomAD no frequency). This variant has not been reported in the literature in individuals affected with IRF6-related conditions. Advanced modeling of protein sequence and biophysical properties (such as structural, functional, and spatial information, amino acid conservation, physicochemical variation, residue mobility, and thermodynamic stability) performed at Invitae indicates that this missense variant is not expected to disrupt IRF6 protein function. In summary, the available evidence is currently insufficient to determine the role of this variant in disease. Therefore, it has been classified as a Variant of Uncertain Significance.

NM_006147.4(IRF6):c.561C>A (p.Ser187Arg)

Gene: IRF6 (interferon regulatory factor 6; minus strand). Cytogenetic location: 1q32.2.
Variant type: single nucleotide variant.
Coding change: c.561C>A on transcript NM_006147.4 (MANE Select); coding-DNA position 561, C replaced by A.
Protein change: p.Ser187Arg; replaces serine 187 with arginine.
Molecular consequence: missense variant.
Genome position (GRCh38, 1-based): chr1:209,792,375, G>T on the plus strand (C>A on the coding strand, the complement: IRF6 is on the minus strand). VCF-style: chr1-209792375-G-T. GRCh37 (hg19) VCF-style: chr1-209965720-G-T.
Other names: c.276C>A, p.Ser92Arg (NM_001206696.2); short protein forms S92R, S187R.
Identifiers: ClinVar variation 2088215 (VCV002088215.4), dbSNP rs2464674905, ClinGen allele CA344579732.